The following is an entry in ClinVar:

NM_000179.3(MSH6):c.2046T>C (p.Ser682=)

Gene: MSH6 (mutS homolog 6; plus strand). Cytogenetic location: 2p16.3.
Variant type: single nucleotide variant.
Coding change: c.2046T>C on transcript NM_000179.3 (MANE Select); coding-DNA position 2046, T replaced by C.
Protein change: p.Ser682=; no amino-acid change (serine 682 retained).
Molecular consequence: synonymous variant.
Genome position (GRCh38, 1-based): chr2:47,800,029, T>C. VCF-style: chr2-47800029-T-C. GRCh37 (hg19) VCF-style: chr2-48027168-T-C.
Other names: c.1656T>C, p.Ser552= (NM_001281492.2); c.1140T>C, p.Ser380= (NM_001281493.2, NM_001281494.2).
Identifiers: ClinVar variation 629849 (VCV000629849.14), dbSNP rs755329012, ClinGen allele CA46710221.

ClinVar aggregate classification (germline): Benign/Likely benign. Review status: criteria provided, multiple submitters, no conflicts (2 of 4 stars). 4 submissions from 4 submitters: Benign (1); Likely benign (3). Last evaluated 2025-05-11.

Conditions:
Hereditary nonpolyposis colorectal neoplasms. Identifiers: MedGen C0009405, MeSH D003123.
Hereditary cancer-predisposing syndrome. Also called: Neoplastic Syndromes, Hereditary; Tumor predisposition; Hereditary neoplastic syndrome; Hereditary Cancer Syndrome. Identifiers: Orphanet 140162, MedGen C0027672, MeSH D009386, MONDO:0015356.
Lynch syndrome 5 (LYNCH5). Also called: Colorectal cancer, hereditary nonpolyposis, type 5; Hereditary non-polyposis colorectal cancer, type 5. Identifiers: Orphanet 144, MedGen C1833477, MONDO:0013710, OMIM 614350. Disease mechanism: loss of function.

Allele frequency attached by ClinVar (database versions not stated): gnomAD exomes below 0.00001.
gnomAD v4.1: 1 of 1,614,158 alleles (0.000062%); no homozygotes.

Submissions (4):

Labcorp Genetics (formerly Invitae), Labcorp
Classification: Likely benign for Hereditary nonpolyposis colorectal neoplasms. Last evaluated: 2025-05-11. Review status: criteria provided, single submitter. Criteria: Invitae Variant Classification Sherloc (09022015). Collection method: clinical testing. Allele origin: germline.

Myriad Genetics, Inc.
Classification: Benign for Lynch syndrome 5. Last evaluated: 2024-12-30. Review status: criteria provided, single submitter. Criteria: Myriad Autosomal Dominant, Autosomal Recessive and X-Linked Classification Criteria (2023). Collection method: clinical testing. Allele origin: unknown.
Comment: This variant is considered benign. This variant is a silent/synonymous amino acid change and it is not expected to impact splicing.

Ambry Genetics
Classification: Likely benign for Hereditary cancer-predisposing syndrome. Last evaluated: 2024-01-07. Review status: criteria provided, single submitter. Criteria: Ambry Variant Classification Scheme 2023. Collection method: clinical testing. Allele origin: germline.

Color Diagnostics, LLC DBA Color Health
Classification: Likely benign for Hereditary cancer-predisposing syndrome. Last evaluated: 2017-10-20. Review status: criteria provided, single submitter. Criteria: ACMG Guidelines, 2015. Collection method: clinical testing. Allele origin: germline.